The following is an entry in ClinVar:

ClinVar aggregate classification (germline): Uncertain significance. Review status: criteria provided, multiple submitters, no conflicts (2 of 4 stars). 2 submissions from 2 submitters: Uncertain significance (2). Last evaluated 2025-09-28.

Conditions:
Hereditary cancer-predisposing syndrome. Also called: Hereditary Cancer Syndrome; Neoplastic Syndromes, Hereditary; Tumor predisposition; Hereditary neoplastic syndrome. Identifiers: Orphanet 140162, MedGen C0027672, MeSH D009386, MONDO:0015356.
Familial thoracic aortic aneurysm and aortic dissection (TAAD). Also called: Thoracic aortic aneurysms and dissections. Identifiers: Orphanet 91387, MedGen C4707243, MONDO:0019625.
Juvenile polyposis syndrome (JPS). Identifiers: Orphanet 2929, MedGen C0345893, MONDO:0017380, OMIM 174900.

Submissions (2):

Labcorp Genetics (formerly Invitae), Labcorp
Classification: Uncertain significance for Juvenile polyposis syndrome. Last evaluated: 2025-09-28. Review status: criteria provided, single submitter. Criteria: Invitae Variant Classification Sherloc (09022015). Collection method: clinical testing. Allele origin: germline.
Comment: This sequence change replaces serine, which is neutral and polar, with asparagine, which is neutral and polar, at codon 483 of the SMAD4 protein (p.Ser483Asn). This variant is not present in population databases (gnomAD no frequency). This variant has not been reported in the literature in individuals affected with SMAD4-related conditions. ClinVar contains an entry for this variant (Variation ID: 188087). An algorithm developed to predict the effect of missense changes on protein structure and function (PolyPhen-2) suggests that this variant is likely to be tolerated. In summary, the available evidence is currently insufficient to determine the role of this variant in disease. Therefore, it has been classified as a Variant of Uncertain Significance.

Ambry Genetics
Classification: Uncertain significance for Hereditary cancer-predisposing syndrome; Familial thoracic aortic aneurysm and aortic dissection. Last evaluated: 2017-02-17. Review status: criteria provided, single submitter. Criteria: Ambry Variant Classification Scheme 2023. Collection method: clinical testing. Allele origin: germline.
Comment: The p.S483N variant (also known as c.1448G>A) is located in coding exon 11 of the SMAD4 gene. The serine at codon 483 is replaced by asparagine, an amino acid with highly similar properties. This amino acid position is highly conserved in available vertebrate species. In addition, the in silico prediction for this alteration is inconclusive. Since supporting evidence is limited at this time, the clinical significance of this alteration remains unclear.

NM_005359.6(SMAD4):c.1448G>A (p.Ser483Asn)

Gene: SMAD4 (SMAD family member 4; plus strand). Cytogenetic location: 18q21.2.
Variant type: single nucleotide variant.
Coding change: c.1448G>A on transcript NM_005359.6 (MANE Select); coding-DNA position 1448, G replaced by A.
Protein change: p.Ser483Asn; replaces serine 483 with asparagine.
Molecular consequence: missense variant.
Genome position (GRCh38, 1-based): chr18:51,078,256, G>A. VCF-style: chr18-51078256-G-A. GRCh37 (hg19) VCF-style: chr18-48604626-G-A.
Other names: short protein forms S483N.
Identifiers: ClinVar variation 188087 (VCV000188087.12), dbSNP rs786204060, ClinGen allele CA334005.
Genomic context (GRCh38, chr18:51,078,256, plus strand): 5'-TAGGGAGGATGGGAAGAGATCACCCTGTCCCTCTGATGTCTTCCAAATCTTTTCTGTTAG[G>A]TCTGTCAGCTGCTGCTGGAATTGGTGTTGATGACCTTCGTCGCTTATGCATACTCAGGAT-3'
Protein context (NP_005350.1, residues 473-493): GSVGGIAPAI[Ser483Asn]LSAAAGIGVD